The following is an entry in ClinVar:

ClinVar aggregate classification (germline): Benign (0 of 4 stars; one submission).

Conditions:
KDR-related disorder. Also called: KDR-related condition.

Allele frequency attached by ClinVar (database versions not stated): 1000 Genomes Project 0.00200; 1000 Genomes Project 30x 0.00250; TOPMed 0.00288; ESP Exome Variant Server 0.00323.
gnomAD v4.1: 750 of 1,614,160 alleles (0.046%); highest among the groups gnomAD compares: African/African-American, 0.84%; 2 homozygotes.

Submission:

PreventionGenetics, part of Exact Sciences
Classification: Benign for KDR-related condition. Last evaluated: 2019-09-10. Review status: no assertion criteria provided. Collection method: clinical testing. Allele origin: germline.
Comment: This variant is classified as benign based on ACMG/AMP sequence variant interpretation guidelines (Richards et al. 2015 PMID: 25741868, with internal and published modifications).

NM_002253.4(KDR):c.3988A>T (p.Ile1330Leu)

Gene: KDR (kinase insert domain receptor; minus strand). Cytogenetic location: 4q12.
Variant type: single nucleotide variant.
Coding change: c.3988A>T on transcript NM_002253.4 (MANE Select); coding-DNA position 3988, A replaced by T.
Protein change: p.Ile1330Leu; replaces isoleucine 1330 with leucine.
Molecular consequence: missense variant.
Genome position (GRCh38, 1-based): chr4:55,080,024, T>A on the plus strand (A>T on the coding strand, the complement: KDR is on the minus strand). VCF-style: chr4-55080024-T-A. GRCh37 (hg19) VCF-style: chr4-55946191-T-A.
Other names: short protein forms I1330L.
Identifiers: ClinVar variation 3040151 (VCV003040151.2), dbSNP rs142258660, ClinGen allele CA2923938.